The following is an entry in ClinVar:

NM_001458.5(FLNC):c.5993A>C (p.Asn1998Thr)

Genes: FLNC-AS1 (FLNC antisense RNA 1; minus strand), FLNC (filamin C; plus strand). Cytogenetic location: 7q32.1.
Variant type: single nucleotide variant.
Coding change: c.5993A>C on transcript NM_001458.5 (MANE Select); coding-DNA position 5993, A replaced by C.
Protein change: p.Asn1998Thr; replaces asparagine 1998 with threonine.
Molecular consequence: missense variant.
Genome position (GRCh38, 1-based): chr7:128,852,741, A>C. VCF-style: chr7-128852741-A-C. GRCh37 (hg19) VCF-style: chr7-128492795-A-C.
Other names: c.5894A>C, p.Asn1965Thr (NM_001127487.2); short protein forms N1965T, N1998T.
Identifiers: ClinVar variation 2939549 (VCV002939549.3), dbSNP rs1263855001, ClinGen allele CA369210784.
Genomic context (GRCh38, chr7:128,852,741, plus strand): 5'-CCGCCAGCATCCGTGCCCCCTCGGGCAACGAGGAGCCCTGCCTGCTGAAGCGCCTGCCCA[A>C]CCGGCACATTGGTGAGCGTGGGGCCTCACGGGGACCTCAGGGGTGGGGGCCCACAGGATG-3'
Protein context (NP_001449.3, residues 1988-2008): EEPCLLKRLP[Asn1998Thr]RHIGISFTPK

ClinVar aggregate classification (germline): Uncertain significance (1 of 4 stars; one submission).

Conditions:
Hypertrophic cardiomyopathy 26. Also called: Cardiomyopathy, familial hypertrophic, 26. Identifiers: Orphanet 75249, MedGen C4310749, MONDO:0014883, OMIM 617047.
Myofibrillar myopathy 5. Also called: Filaminopathy (type); FILAMINOPATHY, AUTOSOMAL DOMINANT. Identifiers: Orphanet 171445, MedGen C1836050, MONDO:0012289, OMIM 609524.
Distal myopathy with posterior leg and anterior hand involvement. Also called: WILLIAMS DISTAL MYOPATHY. Identifiers: Orphanet 63273, MedGen C3279722, MONDO:0013550, OMIM 614065.

Submission:

Labcorp Genetics (formerly Invitae), Labcorp
Classification: Uncertain significance for Distal myopathy with posterior leg and anterior hand involvement; Myofibrillar myopathy 5; Hypertrophic cardiomyopathy 26. Last evaluated: 2022-12-03. Review status: criteria provided, single submitter. Criteria: Invitae Variant Classification Sherloc (09022015). Collection method: clinical testing. Allele origin: germline.
Comment: In summary, the available evidence is currently insufficient to determine the role of this variant in disease. Therefore, it has been classified as a Variant of Uncertain Significance. Advanced modeling of protein sequence and biophysical properties (such as structural, functional, and spatial information, amino acid conservation, physicochemical variation, residue mobility, and thermodynamic stability) has been performed at Invitae for this missense variant, however the output from this modeling did not meet the statistical confidence thresholds required to predict the impact of this variant on FLNC protein function. This variant has not been reported in the literature in individuals affected with FLNC-related conditions. This variant is not present in population databases (gnomAD no frequency). This sequence change replaces asparagine, which is neutral and polar, with threonine, which is neutral and polar, at codon 1998 of the FLNC protein (p.Asn1998Thr).